The following is an entry in ClinVar:

NM_006946.4(SPTBN2):c.2794A>G (p.Thr932Ala)

Gene: SPTBN2 (spectrin beta, non-erythrocytic 2; minus strand). Cytogenetic location: 11q13.2.
Variant type: single nucleotide variant.
Coding change: c.2794A>G on transcript NM_006946.4 (MANE Select); coding-DNA position 2794, A replaced by G.
Protein change: p.Thr932Ala; replaces threonine 932 with alanine.
Molecular consequence: missense variant.
Genome position (GRCh38, 1-based): chr11:66,701,606, T>C on the plus strand (A>G on the coding strand, the complement: SPTBN2 is on the minus strand). VCF-style: chr11-66701606-T-C. GRCh37 (hg19) VCF-style: chr11-66469077-T-C.
Other names: c.2815A>G, p.Thr939Ala (NM_001411025.1); short protein forms T932A, T939A.
Identifiers: ClinVar variation 3000099 (VCV003000099.25), dbSNP rs1281663329, ClinGen allele CA381476799.

ClinVar aggregate classification (germline): Uncertain significance. Review status: criteria provided, multiple submitters, no conflicts (2 of 4 stars). 2 submissions from 2 submitters: Uncertain significance (2). Last evaluated 2024-01-01.

Allele frequency attached by ClinVar (database versions not stated): gnomAD exomes 0.00001; TOPMed 0.00001.

Submissions (2):

CeGaT Center for Human Genetics Tuebingen
Classification: Uncertain significance. Last evaluated: 2024-01-01. Review status: criteria provided, single submitter. Criteria: CeGaT Center For Human Genetics Tuebingen Variant Classification Criteria Version 2. Collection method: clinical testing. Allele origin: germline. Affected: yes. Observed: 1 variant allele.
Comment: SPTBN2: PM2, BP4

Labcorp Genetics (formerly Invitae), Labcorp
Classification: Uncertain significance. Last evaluated: 2023-11-01. Review status: criteria provided, single submitter. Criteria: Invitae Variant Classification Sherloc (09022015). Collection method: clinical testing. Allele origin: germline.
Comment: This sequence change replaces threonine, which is neutral and polar, with alanine, which is neutral and non-polar, at codon 932 of the SPTBN2 protein (p.Thr932Ala). This variant is present in population databases (no rsID available, gnomAD 0.003%). This variant has not been reported in the literature in individuals affected with SPTBN2-related conditions. Advanced modeling of protein sequence and biophysical properties (such as structural, functional, and spatial information, amino acid conservation, physicochemical variation, residue mobility, and thermodynamic stability) performed at Invitae indicates that this missense variant is not expected to disrupt SPTBN2 protein function with a negative predictive value of 80%. In summary, the available evidence is currently insufficient to determine the role of this variant in disease. Therefore, it has been classified as a Variant of Uncertain Significance.